The following is an entry in ClinVar:

NM_000090.4(COL3A1):c.1073C>A (p.Ser358Tyr)

Gene: COL3A1 (collagen type III alpha 1 chain; plus strand). Cytogenetic location: 2q32.2.
Variant type: single nucleotide variant.
Coding change: c.1073C>A on transcript NM_000090.4 (MANE Select); coding-DNA position 1073, C replaced by A.
Protein change: p.Ser358Tyr; replaces serine 358 with tyrosine.
Molecular consequence: missense variant.
Genome position (GRCh38, 1-based): chr2:188,993,383, C>A. VCF-style: chr2-188993383-C-A. GRCh37 (hg19) VCF-style: chr2-189858109-C-A.
Other names: short protein forms S358Y.
Identifiers: ClinVar variation 1172207 (VCV001172207.3), dbSNP rs2153502278, ClinGen allele CA349850826.

ClinVar aggregate classification (germline): Uncertain significance (1 of 4 stars; one submission).

Conditions:
Familial thoracic aortic aneurysm and aortic dissection (TAAD). Also called: Thoracic aortic aneurysms and dissections. Identifiers: Orphanet 91387, MedGen C4707243, MONDO:0019625.

Submission:

Color Diagnostics, LLC DBA Color Health
Classification: Uncertain significance for Familial thoracic aortic aneurysm and aortic dissection. Last evaluated: 2024-03-07. Review status: criteria provided, single submitter. Criteria: ACMG Guidelines, 2015. Collection method: clinical testing. Allele origin: germline.
Comment: This missense variant replaces serine with tyrosine at codon 358 of the COL3A1 protein. Computational prediction suggests that this variant may not impact protein structure and function (internally defined REVEL score threshold <= 0.5, PMID: 27666373). To our knowledge, functional studies have not been reported for this variant. This variant has not been reported in individuals affected with cardiovascular disorders in the literature. This variant has not been identified in the general population by the Genome Aggregation Database (gnomAD). The available evidence is insufficient to determine the role of this variant in disease conclusively. Therefore, this variant is classified as a Variant of Uncertain Significance.